The following is an entry in ClinVar:

NM_002878.4(RAD51D):c.211C>A (p.Leu71Ile)

Genes: RAD51D (RAD51 paralog D; minus strand), RAD51L3-RFFL (RAD51L3-RFFL readthrough; minus strand). Cytogenetic location: 17q12.
Variant type: single nucleotide variant.
Coding change: c.211C>A on transcript NM_002878.4 (MANE Select); coding-DNA position 211, C replaced by A.
Protein change: p.Leu71Ile; replaces leucine 71 with isoleucine.
Molecular consequence: missense variant. On other transcripts: intron variant (2).
Genome position (GRCh38, 1-based): chr17:35,118,553, G>T on the plus strand (C>A on the coding strand, the complement: RAD51D is on the minus strand). VCF-style: chr17-35118553-G-T. GRCh37 (hg19) VCF-style: chr17-33445572-G-T.
Other names: c.144+558C>A (NM_133629.3, NM_001142571.2); short protein forms L71I.
Identifiers: ClinVar variation 3604424 (VCV003604424.2).
Genomic context (GRCh38, chr17:35,118,553, plus strand): 5'-ACACAAACCTGCCAATGCCAGTGGACAGGATGGCAGTGGAGGTCTTCAGTTCCTCGTAGA[G>T]ATCAGCGCCATTCACGGGGAAAGCCGAGAACTGAGCCAGCAGCACCCGCCTCAGGGCAAC-3'
Protein context (NP_002869.3, residues 61-81): FSAFPVNGAD[Leu71Ile]YEELKTSTAI

ClinVar aggregate classification (germline): Uncertain significance (1 of 4 stars; one submission).

Conditions:
Breast-ovarian cancer, familial, susceptibility to, 4. Identifiers: Orphanet 145, MedGen C3280345, MONDO:0013669, OMIM 614291.

Submission:

Labcorp Genetics (formerly Invitae), Labcorp
Classification: Uncertain significance for Breast-ovarian cancer, familial, susceptibility to, 4. Last evaluated: 2024-02-19. Review status: criteria provided, single submitter. Criteria: Invitae Variant Classification Sherloc (09022015). Collection method: clinical testing. Allele origin: germline.
Comment: This sequence change replaces leucine, which is neutral and non-polar, with isoleucine, which is neutral and non-polar, at codon 71 of the RAD51D protein (p.Leu71Ile). This variant is not present in population databases (gnomAD no frequency). This variant has not been reported in the literature in individuals affected with RAD51D-related conditions. Advanced modeling of protein sequence and biophysical properties (such as structural, functional, and spatial information, amino acid conservation, physicochemical variation, residue mobility, and thermodynamic stability) performed at Invitae indicates that this missense variant is not expected to disrupt RAD51D protein function with a negative predictive value of 80%. In summary, the available evidence is currently insufficient to determine the role of this variant in disease. Therefore, it has been classified as a Variant of Uncertain Significance.